The following is an entry in ClinVar:

NM_004336.5(BUB1):c.1360T>A (p.Ser454Thr)

Gene: BUB1 (BUB1 mitotic checkpoint serine/threonine kinase; minus strand). Cytogenetic location: 2q13.
Variant type: single nucleotide variant.
Coding change: c.1360T>A on transcript NM_004336.5 (MANE Select); coding-DNA position 1360, T replaced by A.
Protein change: p.Ser454Thr; replaces serine 454 with threonine.
Molecular consequence: missense variant.
Genome position (GRCh38, 1-based): chr2:110,658,659, A>T on the plus strand (T>A on the coding strand, the complement: BUB1 is on the minus strand). VCF-style: chr2-110658659-A-T. GRCh37 (hg19) VCF-style: chr2-111416236-A-T.
Other names: c.1300T>A, p.Ser434Thr (NM_001278616.2); c.1360T>A, p.Ser454Thr (NM_001278617.2); short protein forms S454T, S434T.
Identifiers: ClinVar variation 1770836 (VCV001770836.2), dbSNP rs2468010332, ClinGen allele CA348212593.

ClinVar aggregate classification (germline): Uncertain significance (1 of 4 stars; one submission).

Allele frequency attached by ClinVar (database versions not stated): gnomAD exomes below 0.00001.
gnomAD v4.1: 1 of 1,614,194 alleles (0.000062%); highest among the groups gnomAD compares: Non-Finnish European, 0.000085%; no homozygotes.

Submission:

Ambry Genetics
Classification: Uncertain significance. Last evaluated: 2021-06-15. Review status: criteria provided, single submitter. Criteria: Ambry Variant Classification Scheme 2023. Collection method: clinical testing. Allele origin: germline.
Comment: The p.S454T variant (also known as c.1360T>A), located in coding exon 12 of the BUB1 gene, results from a T to A substitution at nucleotide position 1360. The serine at codon 454 is replaced by threonine, an amino acid with similar properties. This amino acid position is conserved. In addition, this alteration is predicted to be tolerated by in silico analysis. Since supporting evidence is limited at this time, the clinical significance of this alteration remains unclear.